The following is an entry in ClinVar:

ClinVar aggregate classification (germline): Uncertain significance (1 of 4 stars; one submission).

Submission:

Labcorp Genetics (formerly Invitae), Labcorp
Classification: Uncertain significance. Last evaluated: 2025-05-30. Review status: criteria provided, single submitter. Criteria: Invitae Variant Classification Sherloc (09022015). Collection method: clinical testing. Allele origin: germline.
Comment: This variant, c.2864_2872del, results in the deletion of 3 amino acid(s) of the BRD4 protein (p.Pro955_Pro957del), but otherwise preserves the integrity of the reading frame. This variant is not present in population databases (gnomAD no frequency). This variant has not been reported in the literature in individuals affected with BRD4-related conditions. Experimental studies and prediction algorithms are not available or were not evaluated, and the functional significance of this variant is currently unknown. In summary, the available evidence is currently insufficient to determine the role of this variant in disease. Therefore, it has been classified as a Variant of Uncertain Significance.

NM_001379291.1(BRD4):c.2864_2872del (p.Pro955_Pro957del)

Gene: BRD4 (bromodomain containing 4; minus strand). Cytogenetic location: 19p13.12.
Variant type: Deletion.
Coding change: c.2864_2872del on transcript NM_001379291.1 (MANE Select); coding-DNA positions 2864 to 2872, 9 bases deleted (CACCCCCCC; older notation c.2864_2872delCACCCCCCC).
Protein change: p.Pro955_Pro957del.
Genome position (GRCh38, 1-based): chr19:15,243,197-15,243,205, GGGGGGGTG deleted on the plus strand (CACCCCCCC on the coding strand, the reverse complement: BRD4 is on the minus strand); deleting any 9 consecutive bases within chr19:15,243,197-15,243,209 gives the same sequence; the c. name uses the placement nearest the transcript's 3' end. VCF-style (leftmost placement, unchanged base first): chr19-15243196-AGGGGGGGTG-A. GRCh37 (hg19) VCF-style: chr19-15354007-AGGGGGGGTG-A.
Other names: c.2864_2872del, p.Pro955_Pro957del (NM_058243.3).
Identifiers: ClinVar variation 4766041 (VCV004766041.1).
Genomic context (GRCh38, chr19:15,243,196, plus strand): 5'-GGGGGTGGTGGCGGCTGCTGCTGCAGCTGCTGCTGCACAGAGGGGTGGGGTGGGGGCGGC[AGGGGGGGTG>A]GGGGCTGGGACTGCACCTTCACGGAAGGGAGTAGCGGCGTAGGGGGCTGCACCTTCTGCA-3'